The following is an entry in ClinVar:

ClinVar aggregate classification (germline): Uncertain significance (1 of 4 stars; one submission).

Submission:

CeGaT Center for Human Genetics Tuebingen
Classification: Uncertain significance. Last evaluated: 2023-05-01. Review status: criteria provided, single submitter. Criteria: CeGaT Center For Human Genetics Tuebingen Variant Classification Criteria Version 2. Collection method: clinical testing. Allele origin: germline. Affected: yes. Observed: 1 variant allele.
Comment: SRGAP2: PM2

NM_015326.5(SRGAP2):c.1440A>T (p.Glu480Asp)

Gene: SRGAP2 (SLIT-ROBO Rho GTPase activating protein 2; plus strand). Cytogenetic location: 1q32.1.
Variant type: single nucleotide variant.
Coding change: c.1440A>T on transcript NM_015326.5 (MANE Select); coding-DNA position 1440, A replaced by T.
Protein change: p.Glu480Asp; replaces glutamic acid 480 with aspartic acid.
Molecular consequence: missense variant.
Genome position (GRCh38, 1-based): chr1:206,415,972, A>T. VCF-style: chr1-206415972-A-T. GRCh37 (hg19) VCF-style: chr1-206589332-A-T.
Other names: c.1437A>T, p.Glu479Asp (NM_001170637.4, NM_001300952.2, NM_001377446.1); c.1440A>T, p.Glu480Asp (NM_001377444.1, NM_001377445.1, NM_001377447.1); short protein forms E479D, E480D.
Identifiers: ClinVar variation 2639858 (VCV002639858.24), dbSNP rs2528284116, ClinGen allele CA344603571.